The following is an entry in ClinVar:

ClinVar aggregate classification (germline): Uncertain significance (1 of 4 stars; one submission).

Conditions:
Familial cold autoinflammatory syndrome 2 (FCAS2). Identifiers: Orphanet 247868, MedGen C2673198, MONDO:0012724, OMIM 611762.

Submission:

Labcorp Genetics (formerly Invitae), Labcorp
Classification: Uncertain significance for Familial cold autoinflammatory syndrome 2. Last evaluated: 2023-01-21. Review status: criteria provided, single submitter. Criteria: Invitae Variant Classification Sherloc (09022015). Collection method: clinical testing. Allele origin: germline.
Comment: In summary, the available evidence is currently insufficient to determine the role of this variant in disease. Therefore, it has been classified as a Variant of Uncertain Significance. Algorithms developed to predict the effect of missense changes on protein structure and function (SIFT, PolyPhen-2, Align-GVGD) all suggest that this variant is likely to be tolerated. This variant has not been reported in the literature in individuals affected with NLRP12-related conditions. This variant is not present in population databases (gnomAD no frequency). This sequence change replaces threonine, which is neutral and polar, with proline, which is neutral and non-polar, at codon 111 of the NLRP12 protein (p.Thr111Pro).

NM_144687.4(NLRP12):c.331A>C (p.Thr111Pro)

Gene: NLRP12 (NLR family pyrin domain containing 12; minus strand). Cytogenetic location: 19q13.42.
Variant type: single nucleotide variant.
Coding change: c.331A>C on transcript NM_144687.4 (MANE Select); coding-DNA position 331, A replaced by C.
Protein change: p.Thr111Pro; replaces threonine 111 with proline.
Molecular consequence: missense variant.
Genome position (GRCh38, 1-based): chr19:53,814,947, T>G on the plus strand (A>C on the coding strand, the complement: NLRP12 is on the minus strand). VCF-style: chr19-53814947-T-G. GRCh37 (hg19) VCF-style: chr19-54318201-T-G.
Other names: c.331A>C, p.Thr111Pro (NM_001277126.2, NM_001277129.1); short protein forms T111P.
Identifiers: ClinVar variation 2830728 (VCV002830728.3), dbSNP rs1373495227, ClinGen allele CA407417700.